The following is an entry in ClinVar:

NM_004972.4(JAK2):c.2048G>C (p.Arg683Thr)

Genes: INSL6 (insulin like 6; minus strand), JAK2 (Janus kinase 2; plus strand). Cytogenetic location: 9p24.1.
Variant type: single nucleotide variant.
Coding change: c.2048G>C on transcript NM_004972.4 (MANE Select); coding-DNA position 2048, G replaced by C.
Protein change: p.Arg683Thr; replaces arginine 683 with threonine.
Molecular consequence: missense variant. On other transcripts: non-coding transcript variant (2).
Genome position (GRCh38, 1-based): chr9:5,078,361, G>C. VCF-style: chr9-5078361-G-C. GRCh37 (hg19) VCF-style: chr9-5078361-G-C.
Other names: c.2048G>C, p.Arg683Thr (NM_001322194.2, NM_001322195.2, NM_001322196.2); c.833G>C, p.Arg278Thr (NM_001322198.2, NM_001322199.2); c.1601G>C, p.Arg534Thr (NM_001322204.2); short protein forms R683T, R278T, R534T.
Identifiers: ClinVar variation 3654026 (VCV003654026.3), dbSNP rs1057519722.

ClinVar aggregate classification (germline): Uncertain significance (1 of 4 stars; one submission).

Submissions (2):

Labcorp Genetics (formerly Invitae), Labcorp
Classification: Uncertain significance. Last evaluated: 2025-01-28. Review status: criteria provided, single submitter. Criteria: Invitae Variant Classification Sherloc (09022015). Collection method: clinical testing. Allele origin: germline.
Comment: This sequence change replaces arginine, which is basic and polar, with threonine, which is neutral and polar, at codon 683 of the JAK2 protein (p.Arg683Thr). This variant is not present in population databases (gnomAD no frequency). This variant has not been reported in the literature in individuals affected with JAK2-related conditions. Invitae Evidence Modeling of protein sequence and biophysical properties (such as structural, functional, and spatial information, amino acid conservation, physicochemical variation, residue mobility, and thermodynamic stability) indicates that this missense variant is expected to disrupt JAK2 protein function with a positive predictive value of 80%. This variant disrupts the p.Arg683 amino acid residue in JAK2. Other variant(s) that disrupt this residue have been determined to be pathogenic (PMID: 33846542). This suggests that this residue is clinically significant, and that variants that disrupt this residue are likely to be disease-causing. In summary, the available evidence is currently insufficient to determine the role of this variant in disease. Therefore, it has been classified as a Variant of Uncertain Significance.

Dr. Peter K. Rogan Lab, Western University
No classification provided (evidence only). Condition: Gastric cancer. Review status: no classification provided. Collection method: in vitro. Allele origin: not applicable. Functional consequence: retained intron. Not counted in ClinVar's aggregate classification.

Literature cited by the submitters: PubMed 33846542 (cited by Labcorp Genetics (formerly Invitae), Labcorp).